The following is an entry in ClinVar:

NM_000321.3(RB1):c.2325+2T>G

Gene: RB1 (RB transcriptional corepressor 1; plus strand). Cytogenetic location: 13q14.2.
Variant type: single nucleotide variant.
Coding change: c.2325+2T>G on transcript NM_000321.3 (MANE Select); the canonical splice donor site of the intron after coding-DNA position 2325, T replaced by G.
Molecular consequence: splice donor variant.
Genome position (GRCh38, 1-based): chr13:48,465,113, T>G. VCF-style: chr13-48465113-T-G. GRCh37 (hg19) VCF-style: chr13-49039249-T-G.
Other names: c.2325+2T>G (NM_001407165.1).
Identifiers: ClinVar variation 2585136 (VCV002585136.1), dbSNP rs2138345077, ClinGen allele CA388167742.

ClinVar aggregate classification (germline): Likely pathogenic (1 of 4 stars; one submission).

Conditions:
Retinoblastoma (RB1). Also called: RETINOBLASTOMA, SOMATIC. Identifiers: Orphanet 790, MedGen C0035335, MeSH D012175, MONDO:0008380, OMIM 180200, HP:0009919. Disease mechanism: loss of function. Inheritance: Both sporadic and heritable forms are tested..

Submission:

Neuberg Centre For Genomic Medicine, NCGM
Classification: Likely pathogenic for Retinoblastoma. Review status: criteria provided, single submitter. Criteria: ACMG Guidelines, 2015. Collection method: clinical testing. Allele origin: germline. Inheritance: Autosomal dominant inheritance. Affected: yes.
Comment: The splice site variant c.2325+2T>G in RB1 gene has not been reported previously as a pathogenic variant nor as a benign variant, to our knowledge. The c.2325+2T>G variant is novel in gnomAD Exomes and 1000 Genomes. The variant affects an invariant splice nucleotide and is expected to cause loss of function. Loss of function variants have been previously reported to be disease causing. For these reasons, this variant has been classified as Likely Pathogenic .